The following is an entry in ClinVar:

ClinVar aggregate classification (germline): Uncertain significance (1 of 4 stars; one submission).

Conditions:
Familial thoracic aortic aneurysm and aortic dissection (TAAD). Also called: Thoracic aortic aneurysms and dissections. Identifiers: Orphanet 91387, MedGen C4707243, MONDO:0019625.

Allele frequency attached by ClinVar (database versions not stated): gnomAD exomes 0.00001.
gnomAD v4.1: 16 of 1,607,046 alleles (0.001%); highest among the groups gnomAD compares: Non-Finnish European, 0.0014%; no homozygotes.

Submission:

Ambry Genetics
Classification: Uncertain significance for Familial thoracic aortic aneurysm and aortic dissection. Last evaluated: 2020-11-12. Review status: criteria provided, single submitter. Criteria: Ambry Variant Classification Scheme 2023. Collection method: clinical testing. Allele origin: germline.
Comment: The p.G582D variant (also known as c.1745G>A), located in coding exon 16 of the PLOD1 gene, results from a G to A substitution at nucleotide position 1745. The glycine at codon 582 is replaced by aspartic acid, an amino acid with similar properties. This amino acid position is highly conserved in available vertebrate species. In addition, this alteration is predicted to be deleterious by in silico analysis. Since supporting evidence is limited at this time, the clinical significance of this alteration remains unclear.

NM_000302.4(PLOD1):c.1745G>A (p.Gly582Asp)

Gene: PLOD1 (procollagen-lysine,2-oxoglutarate 5-dioxygenase 1; plus strand). Cytogenetic location: 1p36.22.
Variant type: single nucleotide variant.
Coding change: c.1745G>A on transcript NM_000302.4 (MANE Select); coding-DNA position 1745, G replaced by A.
Protein change: p.Gly582Asp; replaces glycine 582 with aspartic acid.
Molecular consequence: missense variant.
Genome position (GRCh38, 1-based): chr1:11,967,081, G>A. VCF-style: chr1-11967081-G-A. GRCh37 (hg19) VCF-style: chr1-12027138-G-A.
Other names: c.1886G>A, p.Gly629Asp (NM_001316320.2); short protein forms G629D, G582D.
Identifiers: ClinVar variation 1779280 (VCV001779280.2), dbSNP rs1308262290, ClinGen allele CA338447780.
Genomic context (GRCh38, chr1:11,967,081, plus strand): 5'-CGGAGGTGGCCTGTGATGAGCTGGTGGAGGAGATGGAGCACTTTGGCCAGTGGTCTCTGG[G>A]CAACAACAAGGTGGGACCCTGATGCCTGGGCTGGGGCCGCAGGGAGGCTGCCTCTCCATC-3'
Protein context (NP_000293.2, residues 572-592): EMEHFGQWSL[Gly582Asp]NNKDNRIQGG